The following is an entry in ClinVar:

NM_000179.3(MSH6):c.1866dup (p.Pro623fs)

Gene: MSH6 (mutS homolog 6; plus strand). Cytogenetic location: 2p16.3.
Variant type: Duplication.
Coding change: c.1866dup on transcript NM_000179.3 (MANE Select); coding-DNA position 1866, one base duplicated (A; older notation c.1866dupA).
Protein change: p.Pro623fs; shifts the reading frame from proline 623.
Molecular consequence: frameshift variant.
Genome position (GRCh38, 1-based): chr2:47,799,849, A duplicated. VCF-style (leftmost placement, unchanged base first): chr2-47799848-T-TA. GRCh37 (hg19) VCF-style: chr2-48026987-T-TA.
Other names: c.1866dupA (NM_000179.3); c.1476dup, p.Pro493fs (NM_001281492.2); c.960dup, p.Pro321fs (NM_001281493.2, NM_001281494.2); short protein forms P321fs, P493fs, P623fs.
Identifiers: ClinVar variation 1683766 (VCV001683766.3), dbSNP rs2104372581, ClinGen allele CA2573134998.

ClinVar aggregate classification (germline): Pathogenic/Likely pathogenic. Review status: criteria provided, multiple submitters, no conflicts (2 of 4 stars). 2 submissions from 2 submitters: Pathogenic (1); Likely pathogenic (1). Last evaluated 2023-08-16.

Conditions:
Lynch syndrome 5 (LYNCH5). Also called: Hereditary non-polyposis colorectal cancer, type 5; Colorectal cancer, hereditary nonpolyposis, type 5. Identifiers: Orphanet 144, MedGen C1833477, MONDO:0013710, OMIM 614350. Disease mechanism: loss of function.

Submissions (2):

Myriad Genetics, Inc.
Classification: Pathogenic for Lynch syndrome 5. Last evaluated: 2023-08-16. Review status: criteria provided, single submitter. Criteria: Myriad Autosomal Dominant, Autosomal Recessive and X-Linked Classification Criteria (2023). Collection method: clinical testing. Allele origin: unknown.
Comment: This variant is considered pathogenic. This variant creates a frameshift predicted to result in premature protein truncation.

Laboratorio de Genetica e Diagnostico Molecular, Hospital Israelita Albert Einstein
Classification: Likely pathogenic for Lynch syndrome 5. Last evaluated: 2021-07-06. Review status: criteria provided, single submitter. Criteria: ACMG Guidelines, 2015. Collection method: clinical testing. Allele origin: germline. Affected: yes.
Comment: ACMG classification criteria: PVS1 very strong, PM2 moderate